The following is an entry in ClinVar:

NM_000186.4(CFH):c.1864A>G (p.Ile622Val)

Gene: CFH (complement factor H; plus strand). Cytogenetic location: 1q31.3.
Variant type: single nucleotide variant.
Coding change: c.1864A>G on transcript NM_000186.4 (MANE Select); coding-DNA position 1864, A replaced by G.
Protein change: p.Ile622Val; replaces isoleucine 622 with valine.
Molecular consequence: missense variant.
Genome position (GRCh38, 1-based): chr1:196,725,288, A>G. VCF-style: chr1-196725288-A-G. GRCh37 (hg19) VCF-style: chr1-196694418-A-G.
Other names: short protein forms I622V.
Identifiers: ClinVar variation 1163676 (VCV001163676.13), dbSNP rs990484984, ClinGen allele CA35859547.

ClinVar aggregate classification (germline): Uncertain significance. Review status: criteria provided, multiple submitters, no conflicts (2 of 4 stars). 9 submissions from 6 submitters: Uncertain significance (9). Last evaluated 2025-10-02.

Conditions:
Age related macular degeneration 4. Identifiers: MedGen C1853147, MONDO:0012540, OMIM 610698.
Basal laminar drusen. Also called: DRUSEN OF BRUCH MEMBRANE; DRUSEN, CUTICULAR; DRUSEN, EARLY ADULT-ONSET, GROUPED. Identifiers: Orphanet 75376, MedGen C0730295, MONDO:0007472, OMIM 126700.
Hemolytic uremic syndrome, atypical, susceptibility to, 1. Also called: AHUS, SUSCEPTIBILITY TO, 1. Identifiers: Orphanet 2134, Orphanet 90038, MedGen C2749604, MONDO:0009335, OMIM 235400. Disease mechanism: Other.
Factor H deficiency (CFHD). Also called: CFH DEFICIENCY; COMPLEMENT FACTOR H DEFICIENCY. Identifiers: Orphanet 200421, MedGen C0398777, MONDO:0012350, OMIM 609814.
Atypical hemolytic-uremic syndrome. Identifiers: Orphanet 2134, MedGen C2931788, MONDO:0016244.

Allele frequency attached by ClinVar (database versions not stated): gnomAD exomes below 0.00001; gnomAD 0.00001; TOPMed 0.00001.
gnomAD v4.1: 8 of 1,613,544 alleles (0.0005%); highest among the groups gnomAD compares: Admixed American, 0.0033%; no homozygotes.

Submissions (9):

Genomenon, Inc
Classification: Uncertain significance for Atypical hemolytic-uremic syndrome; Age related macular degeneration 4. Last evaluated: 2025-10-02. Review status: criteria provided, single submitter. Criteria: Genomenon Sequence Variant Interpretation Standards - Updated. Collection method: curation. Allele origin: germline. Affected: yes.
Comment: CFH p.Ile622Val (c.1864A>G) is a missense variant that changes the amino acid at residue 622 from Isoleucine to Valine. This variant has been observed in at least one proband affected with a CFH-related disorder (PMID:30046676;35925583). It is absent or not present at a significant frequency in gnomAD. In silico models agree that this variant is not damaging. In conclusion, we classify CFH p.Ile622Val (c.1864A>G) as a variant of uncertain significance.

Women's Health and Genetics/Laboratory Corporation of America, LabCorp
Classification: Uncertain significance. Last evaluated: 2025-06-02. Review status: criteria provided, single submitter. Criteria: LabCorp Variant Classification Summary - May 2015. Collection method: clinical testing. Allele origin: germline.
Comment: Variant summary: CFH c.1864A>G (p.Ile622Val) results in a conservative amino acid change in the encoded protein sequence. Algorithms developed to predict the effect of missense changes on protein structure and function all suggest that this variant is likely to be tolerated. The variant was absent in 250960 control chromosomes (gnomAD). The available data on variant occurrences in the general population are insufficient to allow any conclusion about variant significance. c.1864A>G has been observed in individuals affected with clinical features of CFH-Related Disorders (Fidalgo_2017, Farinha_2022). These reports do not provide unequivocal conclusions about association of the variant with CFH-Related Disorders. To our knowledge, no experimental evidence demonstrating an impact on protein function has been reported. The following publications have been ascertained in the context of this evaluation (PMID: 35925583, 30046676). ClinVar contains an entry for this variant (Variation ID: 1163676). Based on the evidence outlined above, the variant was classified as uncertain significance.

Labcorp Genetics (formerly Invitae), Labcorp
Classification: Uncertain significance. Last evaluated: 2024-08-02. Review status: criteria provided, single submitter. Criteria: Invitae Variant Classification Sherloc (09022015). Collection method: clinical testing. Allele origin: germline.
Comment: This sequence change replaces isoleucine, which is neutral and non-polar, with valine, which is neutral and non-polar, at codon 622 of the CFH protein (p.Ile622Val). This variant is not present in population databases (gnomAD no frequency). This missense change has been observed in individual(s) with atypical hemolytic uremic syndrome (PMID: 30046676). ClinVar contains an entry for this variant (Variation ID: 1163676). An algorithm developed to predict the effect of missense changes on protein structure and function (PolyPhen-2) suggests that this variant is likely to be tolerated. In summary, the available evidence is currently insufficient to determine the role of this variant in disease. Therefore, it has been classified as a Variant of Uncertain Significance.

Genome-Nilou Lab
Classification: Uncertain significance for Hemolytic uremic syndrome, atypical, susceptibility to, 1. Last evaluated: 2023-04-11. Review status: criteria provided, single submitter. Criteria: ACMG Guidelines, 2015. Collection method: clinical testing. Allele origin: germline. Affected: no.

Genome-Nilou Lab
Classification: Uncertain significance for Age related macular degeneration 4. Last evaluated: 2023-04-11. Review status: criteria provided, single submitter. Criteria: ACMG Guidelines, 2015. Collection method: clinical testing. Allele origin: germline. Affected: no.

Genome-Nilou Lab
Classification: Uncertain significance for Basal laminar drusen. Last evaluated: 2023-04-11. Review status: criteria provided, single submitter. Criteria: ACMG Guidelines, 2015. Collection method: clinical testing. Allele origin: germline. Affected: no.

Genome-Nilou Lab
Classification: Uncertain significance for Factor H deficiency. Last evaluated: 2023-04-11. Review status: criteria provided, single submitter. Criteria: ACMG Guidelines, 2015. Collection method: clinical testing. Allele origin: germline. Affected: no.

Blueprint Genetics
Classification: Uncertain significance. Last evaluated: 2022-06-06. Review status: criteria provided, single submitter. Criteria: ACMG Guidelines, 2015. Collection method: clinical testing. Allele origin: germline.

Mayo Clinic Laboratories, Mayo Clinic
Classification: Uncertain significance. Last evaluated: 2020-02-05. Review status: criteria provided, single submitter. Criteria: ACMG Guidelines, 2015. Collection method: clinical testing. Allele origin: germline. Observed: 1 variant allele.

Literature cited by the submitters: PubMed 30046676 (cited by 3 submitters); PubMed 35925583 (cited by Genomenon, Inc and Women's Health and Genetics/Laboratory Corporation of America, LabCorp).